The following is an entry in ClinVar:

NM_006005.3(WFS1):c.1333C>G (p.Leu445Val)

Gene: WFS1 (wolframin ER transmembrane glycoprotein; plus strand). Cytogenetic location: 4p16.1.
Variant type: single nucleotide variant.
Coding change: c.1333C>G on transcript NM_006005.3 (MANE Select); coding-DNA position 1333, C replaced by G.
Protein change: p.Leu445Val; replaces leucine 445 with valine.
Molecular consequence: missense variant.
Genome position (GRCh38, 1-based): chr4:6,301,128, C>G. VCF-style: chr4-6301128-C-G. GRCh37 (hg19) VCF-style: chr4-6302855-C-G.
Other names: c.1333C>G, p.Leu445Val (NM_001145853.1); short protein forms L445V.
Identifiers: ClinVar variation 349318 (VCV000349318.16), dbSNP rs764932308, ClinGen allele CA2839313.

ClinVar aggregate classification (germline): Conflicting classifications of pathogenicity. Review status: criteria provided, conflicting classifications (1 of 4 stars). 8 submissions from 7 submitters: Uncertain significance (4); Benign (1). 3 of the submissions do not count toward it. Last evaluated 2025-09-02.

Conditions:
Optic atrophy. Identifiers: MedGen C0029124, MONDO:0003608, HP:0000648.
Autosomal dominant nonsyndromic hearing loss 6 (LFSNHL). Also called: DEAFNESS, AUTOSOMAL DOMINANT 6; DEAFNESS, AUTOSOMAL DOMINANT 14; DEAFNESS, AUTOSOMAL DOMINANT 38; Autosomal dominant nonsyndromic deafness 6; DIDMOAD (Diabetes Insipidus, Diabetes Mellitus, Optic Atrophy, and Deafness). Identifiers: Orphanet 90635, MedGen C1833021, MONDO:0010963, OMIM 600965.
WFS1-Related Spectrum Disorders.
Wolfram syndrome 1 (WFS1). Identifiers: Orphanet 3463, MedGen C4551693, MONDO:0009101, OMIM 222300.

Allele frequency attached by ClinVar (database versions not stated): TOPMed 0.00004.
gnomAD v4.1: 97 of 1,613,344 alleles (0.006%); highest among the groups gnomAD compares: Admixed American, 0.012%; no homozygotes.

Submissions (8):

Labcorp Genetics (formerly Invitae), Labcorp
Classification: Uncertain significance. Last evaluated: 2025-09-02. Review status: criteria provided, single submitter. Criteria: Invitae Variant Classification Sherloc (09022015). Collection method: clinical testing. Allele origin: germline.
Comment: This sequence change replaces leucine, which is neutral and non-polar, with valine, which is neutral and non-polar, at codon 445 of the WFS1 protein (p.Leu445Val). This variant is present in population databases (rs764932308, gnomAD 0.02%). This variant has not been reported in the literature in individuals affected with WFS1-related conditions. ClinVar contains an entry for this variant (Variation ID: 349318). Invitae Evidence Modeling of protein sequence and biophysical properties (such as structural, functional, and spatial information, amino acid conservation, physicochemical variation, residue mobility, and thermodynamic stability) indicates that this missense variant is not expected to disrupt WFS1 protein function with a negative predictive value of 95%. In summary, the available evidence is currently insufficient to determine the role of this variant in disease. Therefore, it has been classified as a Variant of Uncertain Significance.

GeneDx
Classification: Uncertain significance. Last evaluated: 2025-05-15. Review status: criteria provided, single submitter. Criteria: GeneDx Variant Classification Process June 2021. Collection method: clinical testing. Allele origin: germline. Affected: yes.
Comment: In silico analysis suggests that this missense variant does not alter protein structure/function; Has not been previously published as pathogenic or benign to our knowledge

Illumina Laboratory Services, Illumina
Classification: Uncertain significance for WFS1-Related Spectrum Disorders. Last evaluated: 2018-01-13. Review status: criteria provided, single submitter. Criteria: ICSL Variant Classification Criteria 13 December 2019. Collection method: clinical testing. Allele origin: germline.

Illumina Laboratory Services, Illumina
Classification: Uncertain significance for Autosomal dominant nonsyndromic hearing loss 6. Last evaluated: 2018-01-13. Review status: criteria provided, single submitter. Criteria: ICSL Variant Classification Criteria 13 December 2019. Collection method: clinical testing. Allele origin: germline.

Clinical Genomics, Uppaluri K&H Personalized Medicine Clinic
Classification: Benign for Wolfram syndrome 1. Review status: criteria provided, single submitter. Criteria: K & H Uppaluri Personalized Medicine Clinic Variant Classification & Assertion Criteria_Updated V.1. Collection method: research. Allele origin: unknown. Inheritance: Autosomal recessive inheritance.
Comment: Potent mutations in WFS1 gene are associated with Wolfram's syndrome, an autosomal recessive condition, which cause diabetes mellitus, diabetes insipidus, deafness and optic atrophy. However no sufficient evidence is found to ascertain the role of this particular variant rs764932308 in Wolfram's syndrome yet.

Institute of Human Genetics, Univ. Regensburg, Univ. Regensburg
Classification: Uncertain significance for Optic atrophy. Last evaluated: 2022-01-01. Review status: no assertion criteria provided. Criteria: ACMG Guidelines, 2015. Collection method: clinical testing. Allele origin: germline. Affected: yes. Not counted in ClinVar's aggregate classification.

Clinical Genetics DNA and cytogenetics Diagnostics Lab, Erasmus MC, Erasmus Medical Center
Classification: Likely benign. Review status: no assertion criteria provided. Collection method: clinical testing. Allele origin: germline. Affected: yes. Study: VKGL Data-share Consensus. Not counted in ClinVar's aggregate classification.

Laboratory of Diagnostic Genome Analysis, Leiden University Medical Center (LUMC)
Classification: Likely benign. Review status: no assertion criteria provided. Collection method: clinical testing. Allele origin: germline. Affected: yes. Study: VKGL Data-share Consensus. Not counted in ClinVar's aggregate classification.

Literature cited by the submitters: PubMed 20738327 (cited by Clinical Genomics, Uppaluri K&H Personalized Medicine Clinic); PubMed 33879153 (cited by Clinical Genomics, Uppaluri K&H Personalized Medicine Clinic); PubMed 12955714 (cited by Clinical Genomics, Uppaluri K&H Personalized Medicine Clinic); PubMed 18060660 (cited by Clinical Genomics, Uppaluri K&H Personalized Medicine Clinic); PubMed 20301750 (cited by Clinical Genomics, Uppaluri K&H Personalized Medicine Clinic); PubMed 17603484 (cited by Clinical Genomics, Uppaluri K&H Personalized Medicine Clinic).